The following is an entry in ClinVar:

ClinVar aggregate classification (germline): Uncertain significance (1 of 4 stars; one submission).

Submission:

Labcorp Genetics (formerly Invitae), Labcorp
Classification: Uncertain significance. Last evaluated: 2023-04-12. Review status: criteria provided, single submitter. Criteria: Invitae Variant Classification Sherloc (09022015). Collection method: clinical testing. Allele origin: germline.
Comment: In summary, the available evidence is currently insufficient to determine the role of this variant in disease. Therefore, it has been classified as a Variant of Uncertain Significance. Advanced modeling of protein sequence and biophysical properties (such as structural, functional, and spatial information, amino acid conservation, physicochemical variation, residue mobility, and thermodynamic stability) performed at Invitae indicates that this missense variant is not expected to disrupt EMC1 protein function. ClinVar contains an entry for this variant (Variation ID: 1717040). This variant has not been reported in the literature in individuals affected with EMC1-related conditions. This variant is not present in population databases (gnomAD no frequency). This sequence change replaces serine, which is neutral and polar, with arginine, which is basic and polar, at codon 730 of the EMC1 protein (p.Ser730Arg).

NM_015047.3(EMC1):c.2188A>C (p.Ser730Arg)

Genes: EMC1 (ER membrane protein complex subunit 1; minus strand), EMC1-AS1 (EMC1 antisense RNA 1; plus strand). Cytogenetic location: 1p36.13.
Variant type: single nucleotide variant.
Coding change: c.2188A>C on transcript NM_015047.3 (MANE Select); coding-DNA position 2188, A replaced by C.
Protein change: p.Ser730Arg; replaces serine 730 with arginine.
Molecular consequence: missense variant.
Genome position (GRCh38, 1-based): chr1:19,227,327, T>G on the plus strand (A>C on the coding strand, the complement: EMC1 is on the minus strand). VCF-style: chr1-19227327-T-G. GRCh37 (hg19) VCF-style: chr1-19553821-T-G.
Other names: c.2185A>C, p.Ser729Arg (NM_001271427.2, NM_001271428.2); c.2122A>C, p.Ser708Arg (NM_001271429.2); c.2197A>C, p.Ser733Arg (NM_001375820.1); c.2194A>C, p.Ser732Arg (NM_001375821.1); short protein forms S708R, S729R, S730R, S732R, S733R.
Identifiers: ClinVar variation 1717040 (VCV001717040.5), dbSNP rs754850089, ClinGen allele CA338756371.